The following is an entry in ClinVar:

ClinVar aggregate classification (germline): Uncertain significance. Review status: criteria provided, multiple submitters, no conflicts (2 of 4 stars). 2 submissions from 2 submitters: Uncertain significance (2). Last evaluated 2026-03-19.

Conditions:
RYR1-related disorder. Also called: RYR1-related condition; RYR1-related disorders. Identifiers: MedGen CN239331.
Inborn genetic diseases. Identifiers: MedGen C0950123, MeSH D030342.

Allele frequency attached by ClinVar (database versions not stated): ExAC 0.00001; gnomAD 0.00001; TOPMed 0.00001.
gnomAD v4.1: 4 of 1,614,046 alleles (0.00025%); highest among the groups gnomAD compares: Non-Finnish European, 0.00025%; no homozygotes.

Submissions (2):

Ambry Genetics
Classification: Uncertain significance for Inborn genetic diseases. Last evaluated: 2026-03-19. Review status: criteria provided, single submitter. Criteria: Ambry Variant Classification Scheme 2023. Collection method: clinical testing. Allele origin: germline.

Labcorp Genetics (formerly Invitae), Labcorp
Classification: Uncertain significance for RYR1-related disorder. Last evaluated: 2022-06-07. Review status: criteria provided, single submitter. Criteria: Invitae Variant Classification Sherloc (09022015). Collection method: clinical testing. Allele origin: germline.
Comment: This sequence change replaces proline, which is neutral and non-polar, with threonine, which is neutral and polar, at codon 4515 of the RYR1 protein (p.Pro4515Thr). This variant is present in population databases (rs773301331, gnomAD 0.0009%). This variant has not been reported in the literature in individuals affected with RYR1-related conditions. Advanced modeling of protein sequence and biophysical properties (such as structural, functional, and spatial information, amino acid conservation, physicochemical variation, residue mobility, and thermodynamic stability) performed at Invitae indicates that this missense variant is not expected to disrupt RYR1 protein function. In summary, the available evidence is currently insufficient to determine the role of this variant in disease. Therefore, it has been classified as a Variant of Uncertain Significance.

NM_000540.3(RYR1):c.13543C>A (p.Pro4515Thr)

Gene: RYR1 (ryanodine receptor 1; plus strand). Cytogenetic location: 19q13.2.
Variant type: single nucleotide variant.
Coding change: c.13543C>A on transcript NM_000540.3 (MANE Select); coding-DNA position 13543, C replaced by A.
Protein change: p.Pro4515Thr; replaces proline 4515 with threonine.
Molecular consequence: missense variant.
Genome position (GRCh38, 1-based): chr19:38,567,801, C>A. VCF-style: chr19-38567801-C-A. GRCh37 (hg19) VCF-style: chr19-39058441-C-A.
Other names: c.13528C>A, p.Pro4510Thr (NM_001042723.2); short protein forms P4510T, P4515T.
Identifiers: ClinVar variation 2068158 (VCV002068158.2), dbSNP rs773301331, ClinGen allele CA060136.